The following is an entry in ClinVar:

NM_004341.5(CAD):c.1289C>T (p.Thr430Met)

Gene: CAD (carbamoyl-phosphate synthetase 2, aspartate transcarbamylase, and dihydroorotase; plus strand). Cytogenetic location: 2p23.3.
Variant type: single nucleotide variant.
Coding change: c.1289C>T on transcript NM_004341.5 (MANE Select); coding-DNA position 1289, C replaced by T.
Protein change: p.Thr430Met; replaces threonine 430 with methionine.
Molecular consequence: missense variant.
Genome position (GRCh38, 1-based): chr2:27,224,779, C>T. VCF-style: chr2-27224779-C-T. GRCh37 (hg19) VCF-style: chr2-27447647-C-T.
Other names: c.1289C>T, p.Thr430Met (NM_001306079.2); short protein forms T430M.
Identifiers: ClinVar variation 3606784 (VCV003606784.2).
Genomic context (GRCh38, chr2:27,224,779, plus strand): 5'-CTGAGATGCCATTCTTGTCCTTTTAGGCAATTAAGGCCCTGAAGGAGGAAAACATCCAGA[C>T]GTTGCTGATCAACCCCAATATTGCCACAGTGCAGACCTCCCAGGGGCTGGCCGACAAGGT-3'
Protein context (NP_004332.2, residues 420-440): IKALKEENIQ[Thr430Met]LLINPNIATV

ClinVar aggregate classification (germline): Uncertain significance (1 of 4 stars; one submission).

Submission:

Labcorp Genetics (formerly Invitae), Labcorp
Classification: Uncertain significance. Last evaluated: 2024-10-30. Review status: criteria provided, single submitter. Criteria: Invitae Variant Classification Sherloc (09022015). Collection method: clinical testing. Allele origin: germline.
Comment: This sequence change replaces threonine, which is neutral and polar, with methionine, which is neutral and non-polar, at codon 430 of the CAD protein (p.Thr430Met). This variant is present in population databases (no rsID available, gnomAD no frequency). This variant has not been reported in the literature in individuals affected with CAD-related conditions. Invitae Evidence Modeling of protein sequence and biophysical properties (such as structural, functional, and spatial information, amino acid conservation, physicochemical variation, residue mobility, and thermodynamic stability) indicates that this missense variant is expected to disrupt CAD protein function with a positive predictive value of 80%. In summary, the available evidence is currently insufficient to determine the role of this variant in disease. Therefore, it has been classified as a Variant of Uncertain Significance.